The following is an entry in ClinVar:

NM_001177316.2(SLC34A3):c.1150G>A (p.Gly384Ser)

Gene: SLC34A3 (solute carrier family 34 member 3; plus strand). Cytogenetic location: 9q34.3.
Variant type: single nucleotide variant.
Coding change: c.1150G>A on transcript NM_001177316.2 (MANE Select); coding-DNA position 1150, G replaced by A.
Protein change: p.Gly384Ser; replaces glycine 384 with serine.
Molecular consequence: missense variant.
Genome position (GRCh38, 1-based): chr9:137,234,472, G>A. VCF-style: chr9-137234472-G-A. GRCh37 (hg19) VCF-style: chr9-140128924-G-A.
Other names: c.1150G>A, p.Gly384Ser (NM_001177317.2, NM_080877.3); c.1150G>A (NM_080877.2); short protein forms G384S.
Identifiers: ClinVar variation 1437668 (VCV001437668.9), dbSNP rs201401168, ClinGen allele CA5364815.

ClinVar aggregate classification (germline): Uncertain significance. Review status: criteria provided, multiple submitters, no conflicts (2 of 4 stars). 2 submissions from 2 submitters: Uncertain significance (2). Last evaluated 2024-05-31.

Conditions:
Autosomal recessive hypophosphatemic bone disease (HHRH). Also called: HYPERCALCIURIC RICKETS; Hypophosphatemic rickets with hypercalciuria. Identifiers: Orphanet 157215, MedGen C1853271, MONDO:0009431, OMIM 241530.

Allele frequency attached by ClinVar (database versions not stated): ExAC 0.00002; gnomAD exomes 0.00004; gnomAD 0.00010 and 0.00011; TOPMed 0.00011; 1000 Genomes Project 0.00020; 1000 Genomes Project 30x 0.00031.
gnomAD v4.1: 46 of 1,600,484 alleles (0.0029%); highest among the groups gnomAD compares: African/African-American, 0.037%; no homozygotes.

Submissions (2):

Fulgent Genetics
Classification: Uncertain significance for Autosomal recessive hypophosphatemic bone disease. Last evaluated: 2024-05-31. Review status: criteria provided, single submitter. Criteria: ACMG Guidelines, 2015. Collection method: clinical testing. Allele origin: germline.

Labcorp Genetics (formerly Invitae), Labcorp
Classification: Uncertain significance. Last evaluated: 2022-09-27. Review status: criteria provided, single submitter. Criteria: Invitae Variant Classification Sherloc (09022015). Collection method: clinical testing. Allele origin: germline.
Comment: In summary, the available evidence is currently insufficient to determine the role of this variant in disease. Therefore, it has been classified as a Variant of Uncertain Significance. Algorithms developed to predict the effect of sequence changes on RNA splicing suggest that this variant may create or strengthen a splice site. This sequence change replaces glycine, which is neutral and non-polar, with serine, which is neutral and polar, at codon 384 of the SLC34A3 protein (p.Gly384Ser). This variant is present in population databases (rs201401168, gnomAD 0.01%). This variant has not been reported in the literature in individuals affected with SLC34A3-related conditions. ClinVar contains an entry for this variant (Variation ID: 1437668). Advanced modeling of protein sequence and biophysical properties (such as structural, functional, and spatial information, amino acid conservation, physicochemical variation, residue mobility, and thermodynamic stability) performed at Invitae indicates that this missense variant is not expected to disrupt SLC34A3 protein function.